The following is an entry in ClinVar:

NM_014319.5(LEMD3):c.1048G>A (p.Asp350Asn)

Gene: LEMD3 (LEM domain containing 3; plus strand). Cytogenetic location: 12q14.3.
Variant type: single nucleotide variant.
Coding change: c.1048G>A on transcript NM_014319.5 (MANE Select); coding-DNA position 1048, G replaced by A.
Protein change: p.Asp350Asn; replaces aspartic acid 350 with asparagine.
Molecular consequence: missense variant.
Genome position (GRCh38, 1-based): chr12:65,170,644, G>A. VCF-style: chr12-65170644-G-A. GRCh37 (hg19) VCF-style: chr12-65564424-G-A.
Other names: c.1048G>A, p.Asp350Asn (NM_001167614.2); c.1048G>A (NM_014319.4); short protein forms D350N.
Identifiers: ClinVar variation 1477571 (VCV001477571.9), dbSNP rs2136313366, ClinGen allele CA385674869.

ClinVar aggregate classification (germline): Uncertain significance. Review status: criteria provided, multiple submitters, no conflicts (2 of 4 stars). 2 submissions from 2 submitters: Uncertain significance (2). Last evaluated 2025-12-16.

Conditions:
Inborn genetic diseases. Identifiers: MedGen C0950123, MeSH D030342.

Submissions (2):

Ambry Genetics
Classification: Uncertain significance for Inborn genetic diseases. Last evaluated: 2025-12-16. Review status: criteria provided, single submitter. Criteria: Ambry Variant Classification Scheme 2023. Collection method: clinical testing. Allele origin: germline.

Labcorp Genetics (formerly Invitae), Labcorp
Classification: Uncertain significance. Last evaluated: 2023-10-30. Review status: criteria provided, single submitter. Criteria: Invitae Variant Classification Sherloc (09022015). Collection method: clinical testing. Allele origin: germline.
Comment: This sequence change replaces aspartic acid, which is acidic and polar, with asparagine, which is neutral and polar, at codon 350 of the LEMD3 protein (p.Asp350Asn). This variant is not present in population databases (gnomAD no frequency). This variant has not been reported in the literature in individuals affected with LEMD3-related conditions. ClinVar contains an entry for this variant (Variation ID: 1477571). Advanced modeling of protein sequence and biophysical properties (such as structural, functional, and spatial information, amino acid conservation, physicochemical variation, residue mobility, and thermodynamic stability) performed at Invitae indicates that this missense variant is not expected to disrupt LEMD3 protein function with a negative predictive value of 80%. In summary, the available evidence is currently insufficient to determine the role of this variant in disease. Therefore, it has been classified as a Variant of Uncertain Significance.